The following is an entry in ClinVar:

ClinVar aggregate classification (germline): Pathogenic/Likely pathogenic. Review status: criteria provided, multiple submitters, no conflicts (2 of 4 stars). 6 submissions from 6 submitters: Pathogenic (3); Likely pathogenic (3). Last evaluated 2026-01-21.

Conditions:
SLC12A3-related disorder. Also called: SLC12A3-related condition.
Familial hypokalemia-hypomagnesemia (GTLMNS). Also called: gitelman syndrome; HYPOMAGNESEMIA-HYPOKALEMIA, PRIMARY RENOTUBULAR, WITH HYPOCALCIURIA; POTASSIUM AND MAGNESIUM DEPLETION. Identifiers: Orphanet 358, MedGen C0268450, MONDO:0009904, OMIM 263800.

Allele frequency attached by ClinVar (database versions not stated): gnomAD exomes below 0.00001 and 0.00002; TOPMed below 0.00001.
gnomAD v4.1: 6 of 1,544,132 alleles (0.00039%); highest among the groups gnomAD compares: Admixed American, 0.0098%; no homozygotes.

Submissions (6):

Labcorp Genetics (formerly Invitae), Labcorp
Classification: Likely pathogenic. Last evaluated: 2026-01-21. Review status: criteria provided, single submitter. Criteria: Invitae Variant Classification Sherloc (09022015). Collection method: clinical testing. Allele origin: germline.
Comment: This sequence change affects a donor splice site in intron 15 of the SLC12A3 gene. It is expected to disrupt RNA splicing. Variants that disrupt the donor or acceptor splice site typically lead to a loss of protein function (PMID: 16199547), and loss-of-function variants in SLC12A3 are known to be pathogenic (PMID: 20848653, 22009145, 25841442). This variant is present in population databases (no rsID available, gnomAD 0.008%). Disruption of this splice site has been observed in individual(s) with clinical features of Gitelman syndrome and/or Gitelman syndrome (PMID: 18391953, 36474027). ClinVar contains an entry for this variant (Variation ID: 1028204). Algorithms developed to predict the effect of sequence changes on RNA splicing suggest that this variant may disrupt the consensus splice site. In summary, the currently available evidence indicates that the variant is pathogenic, but additional data are needed to prove that conclusively. Therefore, this variant has been classified as Likely Pathogenic.

Natera, Inc.
Classification: Pathogenic for Gitelman syndrome. Last evaluated: 2025-09-09. Review status: criteria provided, single submitter. Criteria: Natera Variant Classification Schema (03/2026). Collection method: clinical testing. Allele origin: germline.
Comment: The c.1925+1G>A variant in SLC12A3 is a canonical splice donor site variant predicted to affect pre-mRNA splicing, which may result in an abnormal transcript and altered protein product. This variant is expected to result in nonsense mediated decay, truncation, or a dysfunctional protein product. This variant is rare in the general population with a frequency below the threshold expected for the associated phenotype(s). This variant has been observed in one or more individuals affected with the associated recessive disease, as either homozygous or compound heterozygous with a second variant (PMID: 21415153). Given the available evidence, this variant is classified as Pathogenic.

GeneDx
Classification: Likely pathogenic. Last evaluated: 2023-04-17. Review status: criteria provided, single submitter. Criteria: GeneDx Variant Classification Process June 2021. Collection method: clinical testing. Allele origin: germline. Affected: yes.
Comment: Identified in patients (phase unknown) with a second variant in the SLC12A3 gene in published literature (Ji et al., 2008); Canonical splice site variant predicted to result in a null allele in a gene for which loss of function is a known mechanism of disease; This variant is associated with the following publications: (PMID: 25525159, 18391953)

Daryl Scott Lab, Baylor College of Medicine
Classification: Pathogenic for Familial hypokalemia-hypomagnesemia. Last evaluated: 2022-02-01. Review status: criteria provided, single submitter. Criteria: ACMG Guidelines, 2015. Collection method: clinical testing. Allele origin: paternal. Observed: 1 variant allele.

Blueprint Genetics
Classification: Likely pathogenic for SLC12A3-related disorders. Last evaluated: 2021-10-08. Review status: criteria provided, single submitter. Criteria: ACMG Guidelines, 2015. Collection method: clinical testing. Allele origin: germline. Affected: yes. Observed: 2 variant alleles.

Baylor Genetics
Classification: Pathogenic for Familial hypokalemia-hypomagnesemia. Last evaluated: 2020-04-03. Review status: criteria provided, single submitter. Criteria: ACMG Guidelines, 2015. Collection method: clinical testing. Allele origin: unknown. Affected: yes.
Comment: This variant was determined to be pathogenic according to ACMG Guidelines, 2015 [PMID:25741868]. This variant has been previously reported as disease-causing [PMID 18391953, 25525159]

Literature cited by the submitters: PubMed 16199547 (cited by Labcorp Genetics (formerly Invitae), Labcorp); PubMed 20848653 (cited by Labcorp Genetics (formerly Invitae), Labcorp); PubMed 22009145 (cited by Labcorp Genetics (formerly Invitae), Labcorp); PubMed 25841442 (cited by Labcorp Genetics (formerly Invitae), Labcorp); PubMed 18391953 (cited by Labcorp Genetics (formerly Invitae), Labcorp and Baylor Genetics); PubMed 36474027 (cited by Labcorp Genetics (formerly Invitae), Labcorp and Daryl Scott Lab, Baylor College of Medicine); PubMed 21415153 (cited by Natera, Inc.); PubMed 25525159 (cited by Baylor Genetics).

NM_001126108.2(SLC12A3):c.1925+1G>A

Gene: SLC12A3 (solute carrier family 12 member 3; plus strand). Cytogenetic location: 16q13.
Variant type: single nucleotide variant.
Coding change: c.1925+1G>A on transcript NM_001126108.2 (MANE Select); the canonical splice donor site of the intron after coding-DNA position 1925, G replaced by A.
Molecular consequence: splice donor variant.
Genome position (GRCh38, 1-based): chr16:56,885,365, G>A. VCF-style: chr16-56885365-G-A. GRCh37 (hg19) VCF-style: chr16-56919277-G-A.
Other names: c.1925+1G>A (NM_000339.3); c.1922+1G>A (NM_001126107.2, NM_001410896.1).
Identifiers: ClinVar variation 1028204 (VCV001028204.11), dbSNP rs1401379546, ClinGen allele CA395991744.